The following is an entry in ClinVar:

ClinVar aggregate classification (germline): Likely pathogenic (1 of 4 stars; one submission).

Conditions:
Dilated cardiomyopathy 1G (CMD1G). Identifiers: Orphanet 154, MedGen C1858763, MONDO:0011400, OMIM 604145.
Autosomal recessive limb-girdle muscular dystrophy type 2J (LGMDR10). Also called: Limb-girdle muscular dystrophy, type 2J; MUSCULAR DYSTROPHY, LIMB-GIRDLE, AUTOSOMAL RECESSIVE 10. Identifiers: Orphanet 140922, MedGen C1837342, MONDO:0012127, OMIM 608807.

Submission:

Labcorp Genetics (formerly Invitae), Labcorp
Classification: Likely pathogenic for Dilated cardiomyopathy 1G; Autosomal recessive limb-girdle muscular dystrophy type 2J. Last evaluated: 2022-10-01. Review status: criteria provided, single submitter. Criteria: Invitae Variant Classification Sherloc (09022015). Collection method: clinical testing. Allele origin: germline.
Comment: This sequence change creates a premature translational stop signal (p.Gly26093Aspfs*8) in the TTN gene. While this is not anticipated to result in nonsense mediated decay, it is expected to create a truncated TTN protein. This variant is not present in population databases (gnomAD no frequency). This variant has not been reported in the literature in individuals affected with TTN-related conditions. This variant is located in the A band of TTN (PMID: 25589632). Truncating variants in this region are significantly overrepresented in patients affected with dilated cardiomyopathy (PMID: 25589632). Truncating variants in this region have also been reported in individuals affected with autosomal recessive centronuclear myopathy (PMID: 23975875). In summary, the currently available evidence indicates that the variant is pathogenic, but additional data are needed to prove that conclusively. Therefore, this variant has been classified as Likely Pathogenic.

Literature cited by the submitters: PubMed 25589632; PubMed 23975875.

NM_001267550.2(TTN):c.78278_78279del (p.Gly26093fs)

Genes: TTN (titin; minus strand), TTN-AS1 (TTN antisense RNA 1; plus strand). Cytogenetic location: 2q31.2.
Variant type: Deletion.
Coding change: c.78278_78279del on transcript NM_001267550.2 (MANE Select); coding-DNA positions 78278 to 78279, 2 bases deleted (GA; older notation c.78278_78279delGA).
Protein change: p.Gly26093fs; shifts the reading frame from glycine 26093.
Molecular consequence: frameshift variant.
Genome position (GRCh38, 1-based): chr2:178,567,853-178,567,854, TC deleted on the plus strand (GA on the coding strand, the reverse complement: TTN is on the minus strand). VCF-style (leftmost placement, unchanged base first): chr2-178567852-TTC-T. GRCh37 (hg19) VCF-style: chr2-179432579-TTC-T.
Other names: c.70574_70575del, p.Gly23525fs (NM_133378.4); c.51458_51459del, p.Gly17153fs (NM_133432.3); c.51659_51660del, p.Gly17220fs (NM_133437.4); c.73355_73356del, p.Gly24452fs (NM_001256850.1); c.51083_51084del, p.Gly17028fs (NM_003319.4); short protein forms G24452fs, G26093fs, G17028fs, G17220fs, G23525fs, G17153fs.
Identifiers: ClinVar variation 2033540 (VCV002033540.4), dbSNP rs2468339225, ClinGen allele CA2580064772.
Genomic context (GRCh38, chr2:178,567,852, plus strand): 5'-ACACAGGTTTGGTCCACTGTAAAGTGATTTCATTTCTTTTAACCATTATTGGTTCTGGGG[TTC>T]CTGGTGGGTCACAGGGATCTCTGGCTACATAGCATTCAGAATTCTTGCTTGCTTTGCCTA-3'